The following is an entry in ClinVar:

ClinVar aggregate classification (germline): Uncertain significance (1 of 4 stars; one submission).

Conditions:
Neurodevelopmental disorder with or without hyperkinetic movements and seizures, autosomal dominant. Also called: Intellectual disability, autosomal dominant 8. Identifiers: MedGen C3280282, MONDO:0013655, OMIM 614254.

Submission:

Labcorp Genetics (formerly Invitae), Labcorp
Classification: Uncertain significance for Neurodevelopmental disorder with or without hyperkinetic movements and seizures, autosomal dominant. Last evaluated: 2020-03-14. Review status: criteria provided, single submitter. Criteria: Invitae Variant Classification Sherloc (09022015). Collection method: clinical testing. Allele origin: germline.
Comment: In summary, the available evidence is currently insufficient to determine the role of this variant in disease. Therefore, it has been classified as a Variant of Uncertain Significance. Algorithms developed to predict the effect of missense changes on protein structure and function (SIFT, PolyPhen-2, Align-GVGD) all suggest that this variant is likely to be tolerated, but these predictions have not been confirmed by published functional studies and their clinical significance is uncertain. This variant has not been reported in the literature in individuals with GRIN1-related conditions. This variant is not present in population databases (ExAC no frequency). This sequence change replaces serine with threonine at codon 897 of the GRIN1 protein (p.Ser897Thr). The serine residue is moderately conserved and there is a small physicochemical difference between serine and threonine.

NM_007327.4(GRIN1):c.2689T>A (p.Ser897Thr)

Gene: GRIN1 (glutamate ionotropic receptor NMDA type subunit 1; plus strand). Cytogenetic location: 9q34.3.
Variant type: single nucleotide variant.
Coding change: c.2689T>A on transcript NM_007327.4 (MANE Select); coding-DNA position 2689, T replaced by A.
Protein change: p.Ser897Thr; replaces serine 897 with threonine.
Molecular consequence: missense variant. On other transcripts: intron variant (3).
Genome position (GRCh38, 1-based): chr9:137,165,285, T>A. VCF-style: chr9-137165285-T-A. GRCh37 (hg19) VCF-style: chr9-140059737-T-A.
Other names: c.2752T>A, p.Ser918Thr (NM_001185090.2); c.2652+1381T>A (NM_001185091.2); c.2589+1381T>A (NM_021569.4, NM_000832.7); short protein forms S897T, S918T.
Identifiers: ClinVar variation 1006839 (VCV001006839.9), dbSNP rs1833805183, ClinGen allele CA375728211.
Genomic context (GRCh38, chr9:137,165,285, plus strand): 5'-AAAGCCACATTTAGGGCTATCACCTCCACCCTGGCTTCCAGCTTCAAGAGGCGTAGGTCC[T>A]CCAAAGACACGGTAAGGGGGAGAGCACCCCAGTCCCGCGTCCGACTCCACCTGCCCTGCC-3'
Protein context (NP_015566.1, residues 887-907): LASSFKRRRS[Ser897Thr]KDTSTGGGRG